The following is an entry in ClinVar:

ClinVar aggregate classification (germline): Likely benign. Review status: criteria provided, multiple submitters, no conflicts (2 of 4 stars). 3 submissions from 3 submitters: Likely benign (3). Last evaluated 2024-09-26.

Allele frequency attached by ClinVar (database versions not stated): gnomAD 0.00002; gnomAD exomes 0.00002 and 0.00004; TOPMed 0.00002; ExAC 0.00004; 1000 Genomes Project 0.00020; 1000 Genomes Project 30x 0.00031.
gnomAD v4.1: 37 of 1,614,100 alleles (0.0023%); highest among the groups gnomAD compares: East Asian, 0.016%; no homozygotes.

Submissions (3):

Labcorp Genetics (formerly Invitae), Labcorp
Classification: Likely benign. Last evaluated: 2024-09-26. Review status: criteria provided, single submitter. Criteria: Invitae Variant Classification Sherloc (09022015). Collection method: clinical testing. Allele origin: germline.

CeGaT Center for Human Genetics Tuebingen
Classification: Likely benign. Last evaluated: 2022-10-01. Review status: criteria provided, single submitter. Criteria: CeGaT Center For Human Genetics Tuebingen Variant Classification Criteria Version 2. Collection method: clinical testing. Allele origin: germline. Affected: yes. Observed: 1 variant allele.
Comment: PRPF8: BP4, BP7

Blueprint Genetics
Classification: Likely benign. Last evaluated: 2022-03-30. Review status: criteria provided, single submitter. Criteria: ACMG Guidelines, 2015. Collection method: clinical testing. Allele origin: germline.

NM_006445.4(PRPF8):c.3576C>T (p.Phe1192=)

Gene: PRPF8 (pre-mRNA processing factor 8; minus strand). Cytogenetic location: 17p13.3.
Variant type: single nucleotide variant.
Coding change: c.3576C>T on transcript NM_006445.4 (MANE Select); coding-DNA position 3576, C replaced by T.
Protein change: p.Phe1192=; no amino-acid change (phenylalanine 1192 retained).
Molecular consequence: synonymous variant.
Genome position (GRCh38, 1-based): chr17:1,673,438, G>A on the plus strand (C>T on the coding strand, the complement: PRPF8 is on the minus strand). VCF-style: chr17-1673438-G-A. GRCh37 (hg19) VCF-style: chr17-1576732-G-A.
Identifiers: ClinVar variation 1667707 (VCV001667707.33), dbSNP rs574003170, ClinGen allele CA8271851.